The following is an entry in ClinVar:

ClinVar aggregate classification (germline): Uncertain significance (1 of 4 stars; one submission).

Conditions:
Polycystic kidney disease, adult type (PKD1). Also called: POLYCYSTIC KIDNEY DISEASE 1 WITH OR WITHOUT POLYCYSTIC LIVER DISEASE; POLYCYSTIC KIDNEY DISEASE, ADULT, TYPE I; Polycystic Kidney, Autosomal Dominant; Polycystic Kidney Disease 1, Autosomal Dominant; Polycystic kidney disease 1; Polycystic kidney disease 1, severe. Identifiers: MedGen C3149841, MONDO:0008263, OMIM 173900.

Submission:

ARUP Laboratories, Molecular Genetics and Genomics, ARUP Laboratories
Classification: Uncertain significance for Polycystic kidney disease, adult type. Last evaluated: 2019-04-03. Review status: criteria provided, single submitter. Criteria: ARUP Molecular Germline Variant Investigation Process. Collection method: clinical testing. Allele origin: germline.
Comment: The PKD1 c.9767G>T; p.Gly3256Val variant, to our knowledge, is not reported in the medical literature or gene specific databases. This variant is also absent from general population databases (Exome Variant Server, Genome Aggregation Database), indicating it is not a common polymorphism. The glycine at codon 3256 is highly conserved, and computational analyses (SIFT, PolyPhen-2) predict that this variant is deleterious. However, given the lack of clinical and functional data, the significance of this variant is uncertain at this time.

NM_001009944.3(PKD1):c.9767G>T (p.Gly3256Val)

Gene: PKD1 (polycystin 1, transient receptor potential channel interacting; minus strand). Cytogenetic location: 16p13.3.
Variant type: single nucleotide variant.
Coding change: c.9767G>T on transcript NM_001009944.3 (MANE Select); coding-DNA position 9767, G replaced by T.
Protein change: p.Gly3256Val; replaces glycine 3256 with valine.
Molecular consequence: missense variant.
Genome position (GRCh38, 1-based): chr16:2,100,017, C>A on the plus strand (G>T on the coding strand, the complement: PKD1 is on the minus strand). VCF-style: chr16-2100017-C-A. GRCh37 (hg19) VCF-style: chr16-2150018-C-A.
Other names: c.9767G>T, p.Gly3256Val (NM_000296.4); short protein forms G3256V.
Identifiers: ClinVar variation 811965 (VCV000811965.8), dbSNP rs1596512954, ClinGen allele CA394354170.
Genomic context (GRCh38, chr16:2,100,017, plus strand): 5'-GTGAAACGGCTACGAGGCGGCCGGTCCCATATGGAGAGCCAGATGTGCTTGTCAAAGAAG[C>A]CACGCTGCAGCTCAGCCACCAGCAGGCGCCGGAAGCGCAAAAGGGCTGCGTCGCCTAGAA-3'
Protein context (NP_001009944.3, residues 3246-3266): RRLLVAELQR[Gly3256Val]FFDKHIWLSI